The following is an entry in ClinVar:

NM_001161403.3(LIMS2):c.233C>A (p.Ser78Tyr)

Gene: LIMS2 (LIM zinc finger domain containing 2; minus strand). Cytogenetic location: 2q14.3.
Variant type: single nucleotide variant.
Coding change: c.233C>A on transcript NM_001161403.3 (MANE Select); coding-DNA position 233, C replaced by A.
Protein change: p.Ser78Tyr; replaces serine 78 with tyrosine.
Molecular consequence: missense variant.
Genome position (GRCh38, 1-based): chr2:127,654,835, G>T on the plus strand (C>A on the coding strand, the complement: LIMS2 is on the minus strand). VCF-style: chr2-127654835-G-T. GRCh37 (hg19) VCF-style: chr2-128412409-G-T.
Other names: c.299C>A, p.Ser100Tyr (NM_001136037.4); c.218C>A, p.Ser73Tyr (NM_001161404.2); c.305C>A, p.Ser102Tyr (NM_017980.5); c.299C>A (NM_001136037.3); c.305C>A (NM_017980.4); short protein forms S73Y, S100Y, S102Y, S78Y.
Identifiers: ClinVar variation 864593 (VCV000864593.14), dbSNP rs181892289, ClinGen allele CA1863511.

ClinVar aggregate classification (germline): Uncertain significance. Review status: criteria provided, multiple submitters, no conflicts (2 of 4 stars). 4 submissions from 4 submitters: Uncertain significance (4). Last evaluated 2025-09-29.

Conditions:
Autosomal recessive limb-girdle muscular dystrophy type 2W (MDRCMTT). Also called: Muscular dystrophy, autosomal recessive, with cardiomyopathy and triangular tongue; Muscular dystrophy, limb-girdle, type 2W. Identifiers: MedGen C4225192, MONDO:0014788, OMIM 616827.

Allele frequency attached by ClinVar (database versions not stated): TOPMed 0.00019; gnomAD 0.00024 and 0.00028; ExAC 0.00031; gnomAD exomes 0.00032; 1000 Genomes Project 0.00100; 1000 Genomes Project 30x 0.00125.
gnomAD v4.1: 531 of 1,614,158 alleles (0.033%); highest among the groups gnomAD compares: East Asian, 0.18%; no homozygotes.

Submissions (4):

Labcorp Genetics (formerly Invitae), Labcorp
Classification: Uncertain significance for Autosomal recessive limb-girdle muscular dystrophy type 2W. Last evaluated: 2025-09-29. Review status: criteria provided, single submitter. Criteria: Invitae Variant Classification Sherloc (09022015). Collection method: clinical testing. Allele origin: germline.
Comment: This sequence change replaces serine, which is neutral and polar, with tyrosine, which is neutral and polar, at codon 100 of the LIMS2 protein (p.Ser100Tyr). This variant is present in population databases (rs181892289, gnomAD 0.1%), and has an allele count higher than expected for a pathogenic variant. This variant has not been reported in the literature in individuals affected with LIMS2-related conditions. ClinVar contains an entry for this variant (Variation ID: 864593). Invitae Evidence Modeling of protein sequence and biophysical properties (such as structural, functional, and spatial information, amino acid conservation, physicochemical variation, residue mobility, and thermodynamic stability) indicates that this missense variant is not expected to disrupt LIMS2 protein function with a negative predictive value of 80%. In summary, the available evidence is currently insufficient to determine the role of this variant in disease. Therefore, it has been classified as a Variant of Uncertain Significance.

Revvity Omics, Revvity
Classification: Uncertain significance for Autosomal recessive limb-girdle muscular dystrophy type 2W. Last evaluated: 2024-12-18. Review status: criteria provided, single submitter. Criteria: ACMG Guidelines, 2015. Collection method: clinical testing. Allele origin: germline.

Ambry Genetics
Classification: Uncertain significance. Last evaluated: 2024-09-03. Review status: criteria provided, single submitter. Criteria: Ambry Variant Classification Scheme 2023. Collection method: clinical testing. Allele origin: germline.

Genomic Research Center, Shahid Beheshti University of Medical Sciences
Classification: Uncertain significance for Autosomal recessive limb-girdle muscular dystrophy type 2W. Last evaluated: 2020-05-03. Review status: criteria provided, single submitter. Criteria: ACMG Guidelines, 2015. Collection method: clinical testing. Allele origin: unknown. Affected: yes.